The following is an entry in ClinVar:

NM_001111125.3(IQSEC2):c.2582+3G>T

Gene: IQSEC2 (IQ motif and Sec7 domain ArfGEF 2; minus strand). Cytogenetic location: Xp11.22.
Variant type: single nucleotide variant.
Coding change: c.2582+3G>T on transcript NM_001111125.3 (MANE Select); 3 bases into the intron after coding-DNA position 2582, G replaced by T.
Molecular consequence: intron variant.
Genome position (GRCh38, 1-based): chrX:53,248,111, C>A on the plus strand (G>T on the coding strand, the complement: IQSEC2 is on the minus strand). VCF-style: chrX-53248111-C-A. GRCh37 (hg19) VCF-style: chrX-53277293-C-A.
Other names: c.1967+3G>T (NM_015075.2).
Identifiers: ClinVar variation 588277 (VCV000588277.14), dbSNP rs782493529, ClinGen allele CA10419921.

ClinVar aggregate classification (germline): Uncertain significance. Review status: criteria provided, multiple submitters, no conflicts (2 of 4 stars). 3 submissions from 3 submitters: Uncertain significance (2). 1 of the submissions does not count toward it. Last evaluated 2022-06-23.

Conditions:
Inborn genetic diseases. Identifiers: MedGen C0950123, MeSH D030342.
Intellectual developmental disorder, X-linked 1. Also called: MENTAL RETARDATION, X-LINKED 18; MENTAL RETARDATION, X-LINKED 78; Atkin Flaitz Patil Smith syndrome; Intellectual disability, X-linked 1. Identifiers: Orphanet 777, MedGen C2931498, MONDO:0010656, OMIM 309530.

Allele frequency attached by ClinVar (database versions not stated): ExAC 0.00001.
gnomAD v4.1: 6 of 1,211,421 alleles (0.0005%); highest among the groups gnomAD compares: Non-Finnish European, 0.00067%; no homozygotes.

Submissions (3):

Labcorp Genetics (formerly Invitae), Labcorp
Classification: Uncertain significance for Intellectual developmental disorder, X-linked 1. Last evaluated: 2022-06-23. Review status: criteria provided, single submitter. Criteria: Invitae Variant Classification Sherloc (09022015). Collection method: clinical testing. Allele origin: germline.
Comment: In summary, the available evidence is currently insufficient to determine the role of this variant in disease. Therefore, it has been classified as a Variant of Uncertain Significance. Variants that disrupt the consensus splice site are a relatively common cause of aberrant splicing (PMID: 17576681, 9536098). Algorithms developed to predict the effect of sequence changes on RNA splicing suggest that this variant is not likely to affect RNA splicing. ClinVar contains an entry for this variant (Variation ID: 588277). This variant has not been reported in the literature in individuals affected with IQSEC2-related conditions. This variant is present in population databases (rs782493529, gnomAD 0.001%), including at least one homozygous and/or hemizygous individual. This sequence change falls in intron 7 of the IQSEC2 gene. It does not directly change the encoded amino acid sequence of the IQSEC2 protein. It affects a nucleotide within the consensus splice site.

Ambry Genetics
Classification: Uncertain significance for Inborn genetic diseases. Last evaluated: 2016-09-16. Review status: criteria provided, single submitter. Criteria: Ambry Variant Classification Scheme 2023. Collection method: clinical testing. Allele origin: germline.
Comment: The c.2582+3G>T intronic variant results from a G to T substitution 3 nucleotides after coding exon 7 in the IQSEC2 gene. This variant was not reported in population based cohorts in the following databases: Database of Single Nucleotide Polymorphisms (dbSNP), NHLBI Exome Sequencing Project (ESP), and 1000 Genomes Project. In the ESP, this variant was not observed in 6503 samples with coverage at this position. This nucleotide position is not well conserved in available vertebrate species. Using the BDGP and ESEfinder splice site prediction tools, this alteration is predicted to weaken the efficiency of the native splice donor site; however, direct evidence is unavailable. Since supporting evidence is limited at this time, the clinical significance of this variant remains unclear.

Clinical Genetics Laboratory, University Hospital Schleswig-Holstein
Classification: Uncertain significance for Intellectual developmental disorder, X-linked 1. Last evaluated: 2022-06-02. Review status: no assertion criteria provided. Collection method: clinical testing. Allele origin: germline. Affected: yes. Not counted in ClinVar's aggregate classification.

Literature cited by the submitters: PubMed 17576681 (cited by Labcorp Genetics (formerly Invitae), Labcorp); PubMed 9536098 (cited by Labcorp Genetics (formerly Invitae), Labcorp).